The following is an entry in ClinVar:

ClinVar aggregate classification (germline): Uncertain significance. Review status: criteria provided, multiple submitters, no conflicts (2 of 4 stars). 3 submissions from 3 submitters: Uncertain significance (3). Last evaluated 2024-04-18.

Conditions:
Inborn genetic diseases. Identifiers: MedGen C0950123, MeSH D030342.

Allele frequency attached by ClinVar (database versions not stated): TOPMed 0.00004; ExAC 0.00005; gnomAD 0.00005; gnomAD exomes 0.00006; ESP Exome Variant Server 0.00008.
gnomAD v4.1: 93 of 1,614,104 alleles (0.0058%); highest among the groups gnomAD compares: Non-Finnish European, 0.0074%; no homozygotes.

Submissions (3):

Labcorp Genetics (formerly Invitae), Labcorp
Classification: Uncertain significance. Last evaluated: 2024-04-18. Review status: criteria provided, single submitter. Criteria: Invitae Variant Classification Sherloc (09022015). Collection method: clinical testing. Allele origin: germline.
Comment: This sequence change replaces asparagine, which is neutral and polar, with serine, which is neutral and polar, at codon 136 of the UCHL1 protein (p.Asn136Ser). This variant is present in population databases (rs139618482, gnomAD 0.01%). This variant has not been reported in the literature in individuals affected with UCHL1-related conditions. ClinVar contains an entry for this variant (Variation ID: 2073086). An algorithm developed to predict the effect of missense changes on protein structure and function (PolyPhen-2) suggests that this variant is likely to be tolerated. In summary, the available evidence is currently insufficient to determine the role of this variant in disease. Therefore, it has been classified as a Variant of Uncertain Significance.

CeGaT Center for Human Genetics Tuebingen
Classification: Uncertain significance. Last evaluated: 2024-02-01. Review status: criteria provided, single submitter. Criteria: CeGaT Center For Human Genetics Tuebingen Variant Classification Criteria Version 2. Collection method: clinical testing. Allele origin: germline. Affected: yes. Observed: 1 variant allele.
Comment: UCHL1: PM2

Ambry Genetics
Classification: Uncertain significance for Inborn genetic diseases. Last evaluated: 2021-08-13. Review status: criteria provided, single submitter. Criteria: Ambry Variant Classification Scheme 2023. Collection method: clinical testing. Allele origin: germline.

NM_004181.5(UCHL1):c.407A>G (p.Asn136Ser)

Gene: UCHL1 (ubiquitin C-terminal hydrolase L1; plus strand). Cytogenetic location: 4p13.
Variant type: single nucleotide variant.
Coding change: c.407A>G on transcript NM_004181.5 (MANE Select); coding-DNA position 407, A replaced by G.
Protein change: p.Asn136Ser; replaces asparagine 136 with serine.
Molecular consequence: missense variant.
Genome position (GRCh38, 1-based): chr4:41,261,796, A>G. VCF-style: chr4-41261796-A-G. GRCh37 (hg19) VCF-style: chr4-41263813-A-G.
Other names: short protein forms N136S.
Identifiers: ClinVar variation 2073086 (VCV002073086.27), dbSNP rs139618482, ClinGen allele CA2900000.